The following is an entry in ClinVar:

NM_001164508.2(NEB):c.21584_21585inv (p.Thr7195Met)

Genes: NEB (nebulin; minus strand), RIF1 (replication timing regulatory factor 1; plus strand). Cytogenetic location: 2q23.3.
Variant type: Inversion.
Coding change: c.21584_21585inv on transcript NM_001164508.2 (MANE Select).
Protein change: p.Thr7195Met; replaces threonine 7195 with methionine.
Molecular consequence: missense variant.
Genome position: GRCh38 VCF-style: chr2-151531039-TG-CA. GRCh37 (hg19) VCF-style: chr2-152387553-TG-CA.
Other names: c.21584_21585inv, p.Thr7195Met (NM_001164507.2); c.21689_21690inv, p.Thr7230Met (NM_001271208.2); c.16481_16482inv, p.Thr5494Met (NM_004543.5); short protein forms T7230M, T5494M, T7195M.
Identifiers: ClinVar variation 533984 (VCV000533984.5), ClinGen allele CA658795869.

ClinVar aggregate classification (germline): Uncertain significance. Review status: criteria provided, multiple submitters, no conflicts (2 of 4 stars). 2 submissions from 2 submitters: Uncertain significance (2). Last evaluated 2022-09-19.

Conditions:
Nemaline myopathy 2 (NEM2). Also called: Nemaline myopathy 2, autosomal recessive. Identifiers: MedGen C1850569, MONDO:0009725, OMIM 256030.

Submissions (2):

Labcorp Genetics (formerly Invitae), Labcorp
Classification: Uncertain significance for Nemaline myopathy 2. Last evaluated: 2022-09-19. Review status: criteria provided, single submitter. Criteria: Invitae Variant Classification Sherloc (09022015). Collection method: clinical testing. Allele origin: germline.
Comment: This sequence change replaces threonine, which is neutral and polar, with methionine, which is neutral and non-polar, at codon 7230 of the NEB protein (p.Thr7230Met). The frequency data for this variant in the population databases is considered unreliable, as metrics indicate poor data quality at this position in the gnomAD database. This variant has not been reported in the literature in individuals affected with NEB-related conditions. ClinVar contains an entry for this variant (Variation ID: 533984). In summary, the available evidence is currently insufficient to determine the role of this variant in disease. Therefore, it has been classified as a Variant of Uncertain Significance.

GeneDx
Classification: Uncertain significance. Last evaluated: 2022-01-18. Review status: criteria provided, single submitter. Criteria: GeneDx Variant Classification Process June 2021. Collection method: clinical testing. Allele origin: germline. Affected: yes.
Comment: Not observed at significant frequency in large population cohorts (gnomAD); In silico analysis supports a deleterious effect on protein structure/function; Has not been previously published as pathogenic or benign to our knowledge